The following is an entry in ClinVar:

ClinVar aggregate classification (germline): Likely benign (1 of 4 stars; one submission).

gnomAD v4.1: 3 of 1,613,466 alleles (0.00019%); highest among the groups gnomAD compares: Non-Finnish European, 0.00025%; no homozygotes.

Submission:

Center for Medical Genetics Ghent, University of Ghent
Classification: Likely benign. Last evaluated: 2025-03-13. Review status: criteria provided, single submitter. Criteria: ACMG Guidelines, 2015. Collection method: clinical testing. Allele origin: paternal. Affected: yes.
Comment: PM2, BP7_strong RNA-sequencing was performed on PBMCs and did not show any aberrant splicing of the variant.

NM_016284.5(CNOT1):c.2130G>A (p.Gln710=)

Gene: CNOT1 (CCR4-NOT transcription complex subunit 1; minus strand). Cytogenetic location: 16q21.
Variant type: single nucleotide variant.
Coding change: c.2130G>A on transcript NM_016284.5 (MANE Select); coding-DNA position 2130, G replaced by A.
Protein change: p.Gln710=; no amino-acid change (glutamine 710 retained).
Molecular consequence: synonymous variant. On other transcripts: non-coding transcript variant (1).
Genome position (GRCh38, 1-based): chr16:58,560,212, C>T on the plus strand (G>A on the coding strand, the complement: CNOT1 is on the minus strand). VCF-style: chr16-58560212-C-T. GRCh37 (hg19) VCF-style: chr16-58594116-C-T.
Other names: c.2130G>A, p.Gln710= (NM_001265612.2, NM_206999.3).
Identifiers: ClinVar variation 3772691 (VCV003772691.1).